The following is an entry in ClinVar:

ClinVar aggregate classification (germline): Conflicting classifications of pathogenicity. Review status: criteria provided, conflicting classifications (1 of 4 stars). 4 submissions from 4 submitters: Uncertain significance (3); Benign (1). Last evaluated 2025-12-01.

Conditions:
Aicardi-Goutieres syndrome 7 (AGS7). Identifiers: Orphanet 51, MedGen C3888244, MONDO:0014367, OMIM 615846.
Singleton-Merten syndrome 1 (SGMRT1). Also called: Widened medullary cavities of bone, aortic calcification, abnormal dentition, and muscular weakness; Syndrome of widened medullary cavities of the metacarpals and phalanges, aortic calcification and abnormal dentition. Identifiers: Orphanet 85191, MedGen C4225427, MONDO:0024535, OMIM 182250.
Basal ganglia calcification, idiopathic, childhood-onset (PFBC1B). Also called: IBGC childhood onset; Bilateral striopallidodentate calcinosis childhood-onset; Cerebral calcification nonarteriosclerotic idiopathic childhood-onset. Identifiers: Orphanet 51, MedGen C1861967, MONDO:0007247, OMIM 114100.

Allele frequency attached by ClinVar (database versions not stated): gnomAD 0.00006 and 0.00007; TOPMed 0.00008; ESP Exome Variant Server 0.00015; gnomAD exomes 0.00007; ExAC 0.00011.
gnomAD v4.1: 98 of 1,613,098 alleles (0.0061%); highest among the groups gnomAD compares: Non-Finnish European, 0.0072%; no homozygotes.

Submissions (4):

Labcorp Genetics (formerly Invitae), Labcorp
Classification: Benign for Aicardi-Goutieres syndrome 7; Singleton-Merten syndrome 1. Last evaluated: 2025-12-01. Review status: criteria provided, single submitter. Criteria: Invitae Variant Classification Sherloc (09022015). Collection method: clinical testing. Allele origin: germline.

GeneDx
Classification: Uncertain significance. Last evaluated: 2020-01-10. Review status: criteria provided, single submitter. Criteria: GeneDx Variant Classification Process June 2021. Collection method: clinical testing. Allele origin: germline. Affected: yes.
Comment: In silico analysis, which includes protein predictors and evolutionary conservation, supports a deleterious effect; Has not been previously published as pathogenic or benign to our knowledge

CeGaT Center for Human Genetics Tuebingen
Classification: Uncertain significance. Last evaluated: 2019-08-01. Review status: criteria provided, single submitter. Criteria: CeGaT Center For Human Genetics Tuebingen Variant Classification Criteria Version 2. Collection method: clinical testing. Allele origin: germline. Affected: yes. Observed: 1 variant allele.

Institute of Human Genetics, University Hospital of Duesseldorf
Classification: Uncertain significance for Basal ganglia calcification, idiopathic, childhood-onset. Review status: criteria provided, single submitter. Criteria: ACMG Guidelines, 2015. Collection method: not provided. Allele origin: germline. Inheritance: Autosomal recessive inheritance. Affected: yes.

NM_022168.4(IFIH1):c.1853G>A (p.Arg618Gln)

Gene: IFIH1 (interferon induced with helicase C domain 1; minus strand). Cytogenetic location: 2q24.2.
Variant type: single nucleotide variant.
Coding change: c.1853G>A on transcript NM_022168.4 (MANE Select); coding-DNA position 1853, G replaced by A.
Protein change: p.Arg618Gln; replaces arginine 618 with glutamine.
Molecular consequence: missense variant.
Genome position (GRCh38, 1-based): chr2:162,277,606, C>T on the plus strand (G>A on the coding strand, the complement: IFIH1 is on the minus strand). VCF-style: chr2-162277606-C-T. GRCh37 (hg19) VCF-style: chr2-163134116-C-T.
Other names: short protein forms R618Q.
Identifiers: ClinVar variation 849039 (VCV000849039.50), dbSNP rs200017837, ClinGen allele CA1934371.
Genomic context (GRCh38, chr2:162,277,606, plus strand): 5'-AACTTCTTATCTTTCTCTTCATTATAGAAAGTTTCAAGATGAGTATACGCATCTATCATT[C>T]GAATTGTGTCATTAATTTGTAGGGCCTCATTGTACTTCCTCAAATGTTCTGCACAAACAC-3'
Protein context (NP_071451.2, residues 608-628): NEALQINDTI[Arg618Gln]MIDAYTHLET